The following is an entry in ClinVar:

NM_032119.4(ADGRV1):c.1825C>A (p.His609Asn)

Gene: ADGRV1 (adhesion G protein-coupled receptor V1; plus strand). Cytogenetic location: 5q14.3.
Variant type: single nucleotide variant.
Coding change: c.1825C>A on transcript NM_032119.4 (MANE Select); coding-DNA position 1825, C replaced by A.
Protein change: p.His609Asn; replaces histidine 609 with asparagine.
Molecular consequence: missense variant. On other transcripts: non-coding transcript variant (1).
Genome position (GRCh38, 1-based): chr5:90,629,525, C>A. VCF-style: chr5-90629525-C-A. GRCh37 (hg19) VCF-style: chr5-89925342-C-A.
Other names: c.1825C>A (NM_032119.3); short protein forms H609N.
Identifiers: ClinVar variation 1425607 (VCV001425607.7), dbSNP rs1018670464, ClinGen allele CA121826965.

ClinVar aggregate classification (germline): Uncertain significance. Review status: criteria provided, multiple submitters, no conflicts (2 of 4 stars). 2 submissions from 2 submitters: Uncertain significance (2). Last evaluated 2026-01-26.

Conditions:
Inborn genetic diseases. Identifiers: MedGen C0950123, MeSH D030342.

Allele frequency attached by ClinVar (database versions not stated): gnomAD exomes 0.00001; gnomAD 0.00002; TOPMed 0.00002.
gnomAD v4.1: 5 of 1,609,534 alleles (0.00031%); highest among the groups gnomAD compares: East Asian, 0.0045%; no homozygotes.

Submissions (2):

Ambry Genetics
Classification: Uncertain significance for Inborn genetic diseases. Last evaluated: 2026-01-26. Review status: criteria provided, single submitter. Criteria: Ambry Variant Classification Scheme 2023. Collection method: clinical testing. Allele origin: germline.

Labcorp Genetics (formerly Invitae), Labcorp
Classification: Uncertain significance. Last evaluated: 2021-08-29. Review status: criteria provided, single submitter. Criteria: Invitae Variant Classification Sherloc (09022015). Collection method: clinical testing. Allele origin: germline.
Comment: This variant is not present in population databases (ExAC no frequency). In summary, the available evidence is currently insufficient to determine the role of this variant in disease. Therefore, it has been classified as a Variant of Uncertain Significance. Algorithms developed to predict the effect of missense changes on protein structure and function (SIFT, PolyPhen-2, Align-GVGD) all suggest that this variant is likely to be tolerated. This variant has not been reported in the literature in individuals affected with ADGRV1-related conditions. This sequence change replaces histidine with asparagine at codon 609 of the ADGRV1 protein (p.His609Asn). The histidine residue is moderately conserved and there is a small physicochemical difference between histidine and asparagine.